The following is an entry in ClinVar:

ClinVar aggregate classification (germline): Uncertain significance (1 of 4 stars; one submission).

Conditions:
Hereditary cancer-predisposing syndrome. Also called: Tumor predisposition; Hereditary Cancer Syndrome; Neoplastic Syndromes, Hereditary; Hereditary neoplastic syndrome. Identifiers: Orphanet 140162, MedGen C0027672, MeSH D009386, MONDO:0015356.

Allele frequency attached by ClinVar (database versions not stated): gnomAD exomes below 0.00001; ExAC 0.00001; gnomAD 0.00001.
gnomAD v4.1: 1 of 1,613,742 alleles (0.000062%); highest among the groups gnomAD compares: Non-Finnish European, 0.000085%; no homozygotes.

Submission:

Ambry Genetics
Classification: Uncertain significance for Hereditary cancer-predisposing syndrome. Last evaluated: 2019-11-20. Review status: criteria provided, single submitter. Criteria: Ambry Variant Classification Scheme 2023. Collection method: clinical testing. Allele origin: germline.
Comment: The p.N1098K variant (also known as c.3294T>A), located in coding exon 23 of the MSH3 gene, results from a T to A substitution at nucleotide position 3294. The asparagine at codon 1098 is replaced by lysine, an amino acid with similar properties. This amino acid position is well conserved in available vertebrate species. In addition, this alteration is predicted to be tolerated by in silico analysis. Since supporting evidence is limited at this time, the clinical significance of this alteration remains unclear.

NM_002439.5(MSH3):c.3294T>A (p.Asn1098Lys)

Gene: MSH3 (mutS homolog 3; plus strand). Cytogenetic location: 5q14.1.
Variant type: single nucleotide variant.
Coding change: c.3294T>A on transcript NM_002439.5 (MANE Select); coding-DNA position 3294, T replaced by A.
Protein change: p.Asn1098Lys; replaces asparagine 1098 with lysine.
Molecular consequence: missense variant.
Genome position (GRCh38, 1-based): chr5:80,873,279, T>A. VCF-style: chr5-80873279-T-A. GRCh37 (hg19) VCF-style: chr5-80169098-T-A.
Other names: short protein forms N1098K.
Identifiers: ClinVar variation 823478 (VCV000823478.4), dbSNP rs745524865, ClinGen allele CA3328497.